The following is an entry in ClinVar:

ClinVar aggregate classification (germline): Uncertain significance (1 of 4 stars; one submission).

Submission:

GeneDx
Classification: Uncertain significance. Last evaluated: 2026-03-05. Review status: criteria provided, single submitter. Criteria: GeneDx Variant Classification Process June 2021. Collection method: clinical testing. Allele origin: germline.
Comment: In silico analysis supports that this missense variant has a deleterious effect on protein structure/function; Has not been previously published as pathogenic or benign to our knowledge

NM_020791.4(TAOK1):c.929G>A (p.Arg310Gln)

Gene: TAOK1 (TAO kinase 1; plus strand). Cytogenetic location: 17q11.2.
Variant type: single nucleotide variant.
Coding change: c.929G>A on transcript NM_020791.4 (MANE Select); coding-DNA position 929, G replaced by A.
Protein change: p.Arg310Gln; replaces arginine 310 with glutamine.
Molecular consequence: missense variant.
Genome position (GRCh38, 1-based): chr17:29,495,657, G>A. VCF-style: chr17-29495657-G-A. GRCh37 (hg19) VCF-style: chr17-27822675-G-A.
Other names: c.929G>A, p.Arg310Gln (NM_025142.1); short protein forms R310Q.
Identifiers: ClinVar variation 5008488 (VCV005008488.1).
Genomic context (GRCh38, chr17:29,495,657, plus strand): 5'-TAATAGATCTCATTCAGAGGACAAAGGATGCAGTAAGAGAGCTGGACAATCTGCAGTATC[G>A]AAAGATGAAGAAACTCCTTTTCCAGGAGGCACATAATGGACCAGCAGTAGAAGCACAGGA-3'
Protein context (NP_065842.1, residues 300-320): AVRELDNLQY[Arg310Gln]KMKKLLFQEA